The following is an entry in ClinVar:

NM_001903.5(CTNNA1):c.2352C>G (p.Ala784=)

Gene: CTNNA1 (catenin alpha 1; plus strand). Cytogenetic location: 5q31.2.
Variant type: single nucleotide variant.
Coding change: c.2352C>G on transcript NM_001903.5 (MANE Select); coding-DNA position 2352, C replaced by G.
Protein change: p.Ala784=; no amino-acid change (alanine 784 retained).
Molecular consequence: synonymous variant. On other transcripts: intron variant (1).
Genome position (GRCh38, 1-based): chr5:138,932,631, C>G. VCF-style: chr5-138932631-C-G. GRCh37 (hg19) VCF-style: chr5-138268320-C-G.
Other names: c.2352C>G (NM_001903.2); c.2352C>G, p.Ala784= (NM_001290307.3, NM_001323982.2, NM_001323983.1 and 2 more transcripts); c.2043C>G, p.Ala681= (NM_001290309.3); c.1983C>G, p.Ala661= (NM_001290310.3); c.1242C>G, p.Ala414= (NM_001290312.1, NM_001323987.1, NM_001323988.1 and 16 more transcripts); c.2259C>G, p.Ala753= (NM_001323986.2); c.903C>G, p.Ala301= (NM_001324006.1, NM_001324007.1, NM_001324008.1 and 2 more transcripts); c.1149C>G, p.Ala383= (NM_001324011.1); and 2 more.
Identifiers: ClinVar variation 755282 (VCV000755282.10), dbSNP rs1580930407, ClinGen allele CA446598199.

ClinVar aggregate classification (germline): Benign/Likely benign. Review status: criteria provided, multiple submitters, no conflicts (2 of 4 stars). 3 submissions from 3 submitters: Benign (1); Likely benign (2). Last evaluated 2025-07-08.

Conditions:
Hereditary cancer-predisposing syndrome. Also called: Tumor predisposition; Hereditary Cancer Syndrome; Neoplastic Syndromes, Hereditary; Hereditary neoplastic syndrome. Identifiers: Orphanet 140162, MedGen C0027672, MeSH D009386, MONDO:0015356.
Hereditary diffuse gastric adenocarcinoma (HDGC). Also called: DIFFUSE GASTRIC AND LOBULAR BREAST CANCER SYNDROME. Identifiers: Orphanet 26106, MedGen C1708349, MONDO:0007648, OMIM 137215.

Allele frequency attached by ClinVar (database versions not stated): TOPMed below 0.00001.

Submissions (3):

Labcorp Genetics (formerly Invitae), Labcorp
Classification: Likely benign. Last evaluated: 2025-07-08. Review status: criteria provided, single submitter. Criteria: Invitae Variant Classification Sherloc (09022015). Collection method: clinical testing. Allele origin: germline.

Ambry Genetics
Classification: Likely benign for Hereditary cancer-predisposing syndrome. Last evaluated: 2024-11-05. Review status: criteria provided, single submitter. Criteria: Ambry Variant Classification Scheme 2023. Collection method: clinical testing. Allele origin: germline.

Myriad Genetics, Inc.
Classification: Benign for Hereditary diffuse gastric adenocarcinoma. Last evaluated: 2024-10-15. Review status: criteria provided, single submitter. Criteria: Myriad Autosomal Dominant, Autosomal Recessive and X-Linked Classification Criteria (2023). Collection method: clinical testing. Allele origin: unknown.
Comment: This variant is considered benign. This variant is a silent/synonymous amino acid change and it is not expected to impact splicing.